The following is an entry in ClinVar:

ClinVar aggregate classification (germline): Uncertain significance (1 of 4 stars; one submission).

Submission:

Labcorp Genetics (formerly Invitae), Labcorp
Classification: Uncertain significance. Last evaluated: 2024-02-14. Review status: criteria provided, single submitter. Criteria: Invitae Variant Classification Sherloc (09022015). Collection method: clinical testing. Allele origin: germline.
Comment: This sequence change replaces aspartic acid, which is acidic and polar, with tyrosine, which is neutral and polar, at codon 464 of the KMT2C protein (p.Asp464Tyr). This variant is not present in population databases (gnomAD no frequency). This variant has not been reported in the literature in individuals affected with KMT2C-related conditions. Advanced modeling of protein sequence and biophysical properties (such as structural, functional, and spatial information, amino acid conservation, physicochemical variation, residue mobility, and thermodynamic stability) performed at Invitae indicates that this missense variant is not expected to disrupt KMT2C protein function with a negative predictive value of 80%. In summary, the available evidence is currently insufficient to determine the role of this variant in disease. Therefore, it has been classified as a Variant of Uncertain Significance.

NM_170606.3(KMT2C):c.1390G>T (p.Asp464Tyr)

Gene: KMT2C (lysine methyltransferase 2C; minus strand). Cytogenetic location: 7q36.1.
Variant type: single nucleotide variant.
Coding change: c.1390G>T on transcript NM_170606.3 (MANE Select); coding-DNA position 1390, G replaced by T.
Protein change: p.Asp464Tyr; replaces aspartic acid 464 with tyrosine.
Molecular consequence: missense variant.
Genome position (GRCh38, 1-based): chr7:152,252,625, C>A on the plus strand (G>T on the coding strand, the complement: KMT2C is on the minus strand). VCF-style: chr7-152252625-C-A. GRCh37 (hg19) VCF-style: chr7-151949710-C-A.
Other names: short protein forms D464Y.
Identifiers: ClinVar variation 3680242 (VCV003680242.2).